The following is an entry in ClinVar:

ClinVar aggregate classification (germline): Uncertain significance (1 of 4 stars; one submission).

Conditions:
Spastic paraplegia. Identifiers: MedGen C0037772, HP:0001258.

Submission:

Labcorp Genetics (formerly Invitae), Labcorp
Classification: Uncertain significance for Spastic paraplegia. Last evaluated: 2020-10-02. Review status: criteria provided, single submitter. Criteria: Invitae Variant Classification Sherloc (09022015). Collection method: clinical testing. Allele origin: germline.
Comment: This sequence change replaces phenylalanine with tyrosine at codon 317 of the CYP2U1 protein (p.Phe317Tyr). The phenylalanine residue is highly conserved and there is a small physicochemical difference between phenylalanine and tyrosine. This variant is not present in population databases (ExAC no frequency). This variant has not been reported in the literature in individuals with CYP2U1-related conditions. Advanced modeling of protein sequence and biophysical properties (such as structural, functional, and spatial information, amino acid conservation, physicochemical variation, residue mobility, and thermodynamic stability) performed at Invitae indicates that this missense variant is not expected to disrupt CYP2U1 protein function. In summary, the available evidence is currently insufficient to determine the role of this variant in disease. Therefore, it has been classified as a Variant of Uncertain Significance.

NM_183075.3(CYP2U1):c.950T>A (p.Phe317Tyr)

Gene: CYP2U1 (cytochrome P450 family 2 subfamily U member 1; plus strand). Cytogenetic location: 4q25.
Variant type: single nucleotide variant.
Coding change: c.950T>A on transcript NM_183075.3 (MANE Select); coding-DNA position 950, T replaced by A.
Protein change: p.Phe317Tyr; replaces phenylalanine 317 with tyrosine.
Molecular consequence: missense variant.
Genome position (GRCh38, 1-based): chr4:107,945,429, T>A. VCF-style: chr4-107945429-T-A. GRCh37 (hg19) VCF-style: chr4-108866585-T-A.
Other names: short protein forms F317Y.
Identifiers: ClinVar variation 1002287 (VCV001002287.5), dbSNP rs1733663700, ClinGen allele CA357837588.